The following is an entry in ClinVar:

ClinVar aggregate classification (germline): Uncertain significance (1 of 4 stars; one submission).

Allele frequency attached by ClinVar (database versions not stated): ExAC 0.00002; gnomAD exomes 0.00001.
gnomAD v4.1: 5 of 1,597,446 alleles (0.00031%); highest among the groups gnomAD compares: African/African-American, 0.0053%; no homozygotes.

Submission:

Labcorp Genetics (formerly Invitae), Labcorp
Classification: Uncertain significance. Last evaluated: 2021-09-25. Review status: criteria provided, single submitter. Criteria: Invitae Variant Classification Sherloc (09022015). Collection method: clinical testing. Allele origin: germline.
Comment: This sequence change affects codon 26 of the ASAH1 mRNA. It is a 'silent' change, meaning that it does not change the encoded amino acid sequence of the ASAH1 protein. This variant also falls at the last nucleotide of exon 1, which is part of the consensus splice site for this exon. This variant is present in population databases (rs754703716, ExAC 0.03%). This variant has not been reported in the literature in individuals affected with ASAH1-related conditions. Variants that disrupt the consensus splice site are a relatively common cause of aberrant splicing (PMID: 17576681, 9536098). Algorithms developed to predict the effect of sequence changes on RNA splicing suggest that this variant may disrupt the consensus splice site. In summary, the available evidence is currently insufficient to determine the role of this variant in disease. Therefore, it has been classified as a Variant of Uncertain Significance.

Literature cited by the submitters: PubMed 17576681; PubMed 9536098.

NM_177924.5(ASAH1):c.78G>A (p.Pro26=)

Gene: ASAH1 (N-acylsphingosine amidohydrolase 1; minus strand). Cytogenetic location: 8p22.
Variant type: single nucleotide variant.
Coding change: c.78G>A on transcript NM_177924.5 (MANE Select); coding-DNA position 78, G replaced by A.
Protein change: p.Pro26=; no amino-acid change (proline 26 retained).
Molecular consequence: synonymous variant. On other transcripts: intron variant (2).
Genome position (GRCh38, 1-based): chr8:18,083,981, C>T on the plus strand (G>A on the coding strand, the complement: ASAH1 is on the minus strand). VCF-style: chr8-18083981-C-T. GRCh37 (hg19) VCF-style: chr8-17941490-C-T.
Other names: c.126+695G>A (NM_004315.6, NM_001127505.3).
Identifiers: ClinVar variation 1415364 (VCV001415364.3), dbSNP rs754703716, ClinGen allele CA4651113.